The following is an entry in ClinVar:

ClinVar aggregate classification (germline): Pathogenic (1 of 4 stars; one submission).

Conditions:
Galactosylceramide beta-galactosidase deficiency. Also called: Leukodystrophy, Globoid Cell; Krabbe Disease; GALACTOCEREBROSIDASE DEFICIENCY; GALC DEFICIENCY; GLOBOID CELL LEUKOENCEPHALOPATHY. Identifiers: Orphanet 487, MedGen C0023521, MONDO:0009499, OMIM 245200.

Submission:

Women's Health and Genetics/Laboratory Corporation of America, LabCorp
Classification: Pathogenic for Galactosylceramide beta-galactosidase deficiency. Last evaluated: 2025-11-25. Review status: criteria provided, single submitter. Criteria: LabCorp Variant Classification Summary - May 2015. Collection method: clinical testing. Allele origin: germline.
Comment: Variant summary: The variant involves the deletion of exons 13-15 in the GALC gene. A presumed nomenclature of c.(1338+1_1339-1)_(1834+1_1835-1)del has been designated for the purposes of this classification. This Copy Number Variant (CNV) is expected to alter the reading frame and predicted to result in a truncation or absence of the encoded protein due to nonsense mediated decay (NMD). Loss-of-function variants in this gene are known to be pathogenic. The variant was absent in 21694 control chromosomes (gnomAD SV database). To our knowledge, no occurrence of c.(1338+1_1339-1)_(1834+1_1835-1)del in individuals affected with GALC-related conditions and no experimental evidence demonstrating its impact on protein function have been reported. No submitters have cited clinical-significance assessments for this variant to ClinVar. Based on the evidence outlined above, the variant was classified as pathogenic.

NC_000014.8:g.(88406326_88407738)_(88414223_88416188)del

Gene: GALC (galactosylceramidase; minus strand). Cytogenetic location: 14q31.3.
Variant type: Deletion.
Identifiers: ClinVar variation 4537204 (VCV004537204.1).